The following is an entry in ClinVar:

ClinVar aggregate classification (germline): Conflicting classifications of pathogenicity. Review status: criteria provided, conflicting classifications (1 of 4 stars). 3 submissions from 3 submitters: Uncertain significance (1); Likely benign (2). Last evaluated 2024-01-09.

Allele frequency attached by ClinVar (database versions not stated): ExAC 0.00001; gnomAD exomes below 0.00001 and 0.00002; gnomAD 0.00001; TOPMed 0.00002.
gnomAD v4.1: 7 of 1,479,824 alleles (0.00047%); highest among the groups gnomAD compares: Admixed American, 0.013%; no homozygotes.

Submissions (3):

Labcorp Genetics (formerly Invitae), Labcorp
Classification: Likely benign. Last evaluated: 2024-01-09. Review status: criteria provided, single submitter. Criteria: Invitae Variant Classification Sherloc (09022015). Collection method: clinical testing. Allele origin: germline.

Blueprint Genetics
Classification: Likely benign. Last evaluated: 2019-12-28. Review status: criteria provided, single submitter. Criteria: ACMG Guidelines, 2015. Collection method: clinical testing. Allele origin: germline.

Laboratory for Molecular Medicine, Mass General Brigham Personalized Medicine
Classification: Uncertain significance. Last evaluated: 2015-11-27. Review status: criteria provided, single submitter. Criteria: LMM Criteria. Collection method: clinical testing. Allele origin: germline. Observed: 1 variant allele.
Comment: Variant classified as Uncertain Significance - Favor Benign. The c.4207-8G>T var iant in CDH23 has not been previously reported in individuals with hearing loss. It has been identified in 1/11570 of Latino chromosomes by the Exome Aggregatio n Consortium (ExAC). This variant is located in the 3' splice region. Computational tools do not suggest an impact to splicing. However, this information is not predictive enough to rule out pathogenicity. In summary, while the clinical significance of the c.4207-8G>T is uncertain, the s plicing prediction suggests it is more likely to be benign.

NM_022124.6(CDH23):c.4207-8G>T

Genes: C10orf105 (chromosome 10 open reading frame 105; minus strand), CDH23 (cadherin related 23; plus strand). Cytogenetic location: 10q22.1.
Variant type: single nucleotide variant.
Coding change: c.4207-8G>T on transcript NM_022124.6 (MANE Select); 8 bases into the intron before coding-DNA position 4207, G replaced by T.
Molecular consequence: intron variant.
Genome position (GRCh38, 1-based): chr10:71,734,648, G>T. VCF-style: chr10-71734648-G-T. GRCh37 (hg19) VCF-style: chr10-73494405-G-T.
Other names: c.-6+3080C>A (NM_001168390.2).
Identifiers: ClinVar variation 228494 (VCV000228494.14), dbSNP rs748187466, ClinGen allele CA5544957.